The following is an entry in ClinVar:

NM_032122.5(DTNBP1):c.1009A>G (p.Thr337Ala)

Gene: DTNBP1 (dystrobrevin binding protein 1; minus strand). Cytogenetic location: 6p22.3.
Variant type: single nucleotide variant.
Coding change: c.1009A>G on transcript NM_032122.5 (MANE Select); coding-DNA position 1009, A replaced by G.
Protein change: p.Thr337Ala; replaces threonine 337 with alanine.
Molecular consequence: missense variant.
Genome position (GRCh38, 1-based): chr6:15,523,022, T>C on the plus strand (A>G on the coding strand, the complement: DTNBP1 is on the minus strand). VCF-style: chr6-15523022-T-C. GRCh37 (hg19) VCF-style: chr6-15523253-T-C.
Other names: c.766A>G, p.Thr256Ala (NM_001271667.2); c.958A>G, p.Thr320Ala (NM_001271668.2); c.904A>G, p.Thr302Ala (NM_001271669.2); short protein forms T302A, T320A, T256A, T337A.
Identifiers: ClinVar variation 1491228 (VCV001491228.6), dbSNP rs1414074260, ClinGen allele CA362804775.
Genomic context (GRCh38, chr6:15,523,022, plus strand): 5'-CCCATGTCCCAATTTAAGAGTCGCTGTCCTCACCACCATCCGGAGTGGCCTCTCTGTCAG[T>C]GTGTGATGTGGCCAGGGCAGTGTCCACCTGAACTTCCTCCTCATCGGACTGAACAACGGG-3'
Protein context (NP_115498.2, residues 327-347): QVDTALATSH[Thr337Ala]DREATPDGGE

ClinVar aggregate classification (germline): Uncertain significance (1 of 4 stars; one submission).

Allele frequency attached by ClinVar (database versions not stated): TOPMed 0.00001.

Submission:

Labcorp Genetics (formerly Invitae), Labcorp
Classification: Uncertain significance. Last evaluated: 2022-07-26. Review status: criteria provided, single submitter. Criteria: Invitae Variant Classification Sherloc (09022015). Collection method: clinical testing. Allele origin: germline.
Comment: In summary, the available evidence is currently insufficient to determine the role of this variant in disease. Therefore, it has been classified as a Variant of Uncertain Significance. Algorithms developed to predict the effect of missense changes on protein structure and function output the following: SIFT: "Tolerated"; PolyPhen-2: "Benign"; Align-GVGD: "Class C0". The alanine amino acid residue is found in multiple mammalian species, which suggests that this missense change does not adversely affect protein function. ClinVar contains an entry for this variant (Variation ID: 1491228). This variant has not been reported in the literature in individuals affected with DTNBP1-related conditions. This variant is not present in population databases (gnomAD no frequency). This sequence change replaces threonine, which is neutral and polar, with alanine, which is neutral and non-polar, at codon 337 of the DTNBP1 protein (p.Thr337Ala).